The following is an entry in ClinVar:

ClinVar aggregate classification (germline): Likely benign (1 of 4 stars; one submission).

Allele frequency attached by ClinVar (database versions not stated): gnomAD exomes below 0.00001.
gnomAD v4.1: 1 of 1,614,142 alleles (0.000062%); highest among the groups gnomAD compares: Non-Finnish European, 0.000085%; no homozygotes.

Submission:

CeGaT Center for Human Genetics Tuebingen
Classification: Likely benign. Last evaluated: 2022-05-01. Review status: criteria provided, single submitter. Criteria: CeGaT Center For Human Genetics Tuebingen Variant Classification Criteria Version 2. Collection method: clinical testing. Allele origin: germline. Affected: yes. Observed: 1 variant allele.
Comment: KIDINS220: PM2:Supporting, BP4, BP7

NM_020738.4(KIDINS220):c.4473C>T (p.Leu1491=)

Gene: KIDINS220 (kinase D interacting substrate 220; minus strand). Cytogenetic location: 2p25.1.
Variant type: single nucleotide variant.
Coding change: c.4473C>T on transcript NM_020738.4 (MANE Select); coding-DNA position 4473, C replaced by T.
Protein change: p.Leu1491=; no amino-acid change (leucine 1491 retained).
Molecular consequence: synonymous variant. On other transcripts: intron variant (6).
Genome position (GRCh38, 1-based): chr2:8,731,563, G>A on the plus strand (C>T on the coding strand, the complement: KIDINS220 is on the minus strand). VCF-style: chr2-8731563-G-A. GRCh37 (hg19) VCF-style: chr2-8871693-G-A.
Other names: c.3996+1881C>T (NM_001348738.2); c.3885+1881C>T (NM_001348739.2, NM_001348740.2); c.3882+1881C>T (NM_001348742.2, NM_001348743.2, NM_001348741.2); c.4476C>T, p.Leu1492= (NM_001348729.2); c.4419C>T, p.Leu1473= (NM_001348731.2); c.4416C>T, p.Leu1472= (NM_001348732.2); c.4305C>T, p.Leu1435= (NM_001348734.2); c.4302C>T, p.Leu1434= (NM_001348735.2); and 1 more.
Identifiers: ClinVar variation 2650646 (VCV002650646.24), dbSNP rs2527402799, ClinGen allele CA425083380.